The following is an entry in ClinVar:

ClinVar aggregate classification (germline): Uncertain significance (1 of 4 stars; one submission).

Submission:

Mayo Clinic Laboratories, Mayo Clinic
Classification: Uncertain significance. Last evaluated: 2025-12-05. Review status: criteria provided, single submitter. Criteria: ACMG Guidelines, 2015. Collection method: clinical testing. Allele origin: germline. Observed: 1 variant allele.
Comment: BP4_moderate, PM2_supporting

NM_014244.5(ADAMTS2):c.238T>G (p.Ser80Ala)

Gene: ADAMTS2 (ADAM metallopeptidase with thrombospondin type 1 motif 2; minus strand). Cytogenetic location: 5q35.3.
Variant type: single nucleotide variant.
Coding change: c.238T>G on transcript NM_014244.5 (MANE Select); coding-DNA position 238, T replaced by G.
Protein change: p.Ser80Ala; replaces serine 80 with alanine.
Molecular consequence: missense variant.
Genome position (GRCh38, 1-based): chr5:179,344,063, A>C on the plus strand (T>G on the coding strand, the complement: ADAMTS2 is on the minus strand). VCF-style: chr5-179344063-A-C. GRCh37 (hg19) VCF-style: chr5-178771064-A-C.
Other names: p.Ser80Ala; c.238T>G, p.Ser80Ala (NM_021599.4); short protein forms S80A.
Identifiers: ClinVar variation 4541099 (VCV004541099.1).